The following is an entry in ClinVar:

ClinVar aggregate classification (germline): Likely pathogenic. Review status: criteria provided, single submitter (1 of 4 stars). 2 submissions from 2 submitters: Likely pathogenic (1). 1 of the submissions does not count toward it. Last evaluated 2024-06-24.

Conditions:
Adenine phosphoribosyltransferase deficiency (APRTD). Also called: Urolithiasis, dha; 2,8-dihydroxyadenine urolithiasis; APRT DEFICIENCY; NEPHROLITHIASIS, DHA. Identifiers: Orphanet 976, MedGen C0268120, MONDO:0013869, OMIM 614723.

Submissions (2):

Labcorp Genetics (formerly Invitae), Labcorp
Classification: Likely pathogenic. Last evaluated: 2024-06-24. Review status: criteria provided, single submitter. Criteria: Invitae Variant Classification Sherloc (09022015). Collection method: clinical testing. Allele origin: germline.
Comment: This variant results in the deletion of part of exon 3 (c.188-145_296delinsTTCCCGTA) of the APRT gene. It is expected to disrupt RNA splicing. Variants that disrupt the donor or acceptor splice site typically lead to a loss of protein function (PMID: 16199547), and loss-of-function variants in APRT are known to be pathogenic (PMID: 7685481, 20150536, 28717278). This variant is not present in population databases (gnomAD no frequency). This variant has been observed in individual(s) with adenine phosphoribosyltransferase deficiency (PMID: 9298830). ClinVar contains an entry for this variant (Variation ID: 18301). In summary, the currently available evidence indicates that the variant is pathogenic, but additional data are needed to prove that conclusively. Therefore, this variant has been classified as Likely Pathogenic.

OMIM
Classification: Pathogenic for APRT DEFICIENCY. Last evaluated: 1997-01-01. Review status: no assertion criteria provided. Collection method: literature only. Allele origin: germline. Not counted in ClinVar's aggregate classification.

Literature cited by the submitters: PubMed 16199547 (cited by Labcorp Genetics (formerly Invitae), Labcorp); PubMed 7685481 (cited by Labcorp Genetics (formerly Invitae), Labcorp); PubMed 20150536 (cited by Labcorp Genetics (formerly Invitae), Labcorp); PubMed 28717278 (cited by Labcorp Genetics (formerly Invitae), Labcorp); PubMed 9298830 (cited by Labcorp Genetics (formerly Invitae), Labcorp and OMIM).

NM_000485.3(APRT):c.188-145_296delinsTTCCCGTA

Gene: APRT (adenine phosphoribosyltransferase; minus strand). Cytogenetic location: 16q24.3.
Variant type: Indel.
Coding change: c.188-145_296delinsTTCCCGTA on transcript NM_000485.3 (MANE Select); 145 bases into the intron before coding-DNA position 188 through coding-DNA position 296, the reference bases replaced by TTCCCGTA.
Molecular consequence: splice acceptor variant.
Genome position (GRCh38, 1-based): chr16:88,810,448-88,810,701, 254 bases replaced. GRCh37 (hg19): chr16:88,876,856-88,877,109.
Other names: c.188-145_296delinsTTCCCGTA (NM_001030018.2).
Identifiers: ClinVar variation 18301 (VCV000018301.4), dbSNP rs2508234634, ClinGen allele CA2580092223.